The following is an entry in ClinVar:

NM_000257.4(MYH7):c.2803G>C (p.Glu935Gln)

Gene: MYH7 (myosin heavy chain 7; minus strand). Cytogenetic location: 14q11.2.
Variant type: single nucleotide variant.
Coding change: c.2803G>C on transcript NM_000257.4 (MANE Select); coding-DNA position 2803, G replaced by C.
Protein change: p.Glu935Gln; replaces glutamic acid 935 with glutamine.
Molecular consequence: missense variant.
Genome position (GRCh38, 1-based): chr14:23,424,026, C>G on the plus strand (G>C on the coding strand, the complement: MYH7 is on the minus strand). VCF-style: chr14-23424026-C-G. GRCh37 (hg19) VCF-style: chr14-23893235-C-G.
Other names: c.2803G>C, p.Glu935Gln (NM_001407004.1); short protein forms E935Q.
Identifiers: ClinVar variation 3297518 (VCV003297518.1).

ClinVar aggregate classification (germline): Uncertain significance (1 of 4 stars; one submission).

Conditions:
Cardiovascular phenotype. Identifiers: MedGen CN230736.

Submission:

Ambry Genetics
Classification: Uncertain significance for Cardiovascular phenotype. Last evaluated: 2024-04-04. Review status: criteria provided, single submitter. Criteria: Ambry Variant Classification Scheme 2023. Collection method: clinical testing. Allele origin: germline.
Comment: The p.E935Q variant (also known as c.2803G>C), located in coding exon 21 of the MYH7 gene, results from a G to C substitution at nucleotide position 2803. The glutamic acid at codon 935 is replaced by glutamine, an amino acid with highly similar properties. This amino acid position is highly conserved in available vertebrate species. In addition, the in silico prediction for this alteration is inconclusive. Based on the available evidence, the clinical significance of this alteration remains unclear.